The following is an entry in ClinVar:

NM_001939.3(DRP2):c.2871T>C (p.Ser957=)

Gene: DRP2 (dystrophin related protein 2; plus strand). Cytogenetic location: Xq22.1.
Variant type: single nucleotide variant.
Coding change: c.2871T>C on transcript NM_001939.3 (MANE Select); coding-DNA position 2871, T replaced by C.
Protein change: p.Ser957=; no amino-acid change (serine 957 retained).
Molecular consequence: synonymous variant.
Genome position (GRCh38, 1-based): chrX:101,260,618, T>C. VCF-style: chrX-101260618-T-C. GRCh37 (hg19) VCF-style: chrX-100515607-T-C.
Other names: c.2637T>C, p.Ser879= (NM_001171184.2); c.2871T>C (NM_001939.2).
Identifiers: ClinVar variation 2783513 (VCV002783513.4), dbSNP rs748704942, ClinGen allele CA10472547.

ClinVar aggregate classification (germline): Benign/Likely benign. Review status: criteria provided, multiple submitters, no conflicts (2 of 4 stars). 2 submissions from 2 submitters: Benign (1); Likely benign (1). Last evaluated 2026-08-24.

Conditions:
DRP2-related disorder. Also called: DRP2-related condition.

Allele frequency attached by ClinVar (database versions not stated): gnomAD exomes 0.00002; ExAC 0.00009; 1000 Genomes Project 30x 0.00021; 1000 Genomes Project 0.00026.
gnomAD v4.1: 30 of 1,208,499 alleles (0.0025%); highest among the groups gnomAD compares: South Asian, 0.043%; no homozygotes.

Submissions (2):

PreventionGenetics, part of Exact Sciences
Classification: Likely benign for DRP2-related condition. Last evaluated: 2026-08-24. Review status: criteria provided, single submitter. Criteria: ACMG Guidelines, 2015. Collection method: clinical testing. Allele origin: germline.
Comment: This variant is classified as likely benign based on ACMG/AMP sequence variant interpretation guidelines (Richards et al. 2015 PMID: 25741868, with internal and published modifications).

Labcorp Genetics (formerly Invitae), Labcorp
Classification: Benign. Last evaluated: 2023-11-28. Review status: criteria provided, single submitter. Criteria: Invitae Variant Classification Sherloc (09022015). Collection method: clinical testing. Allele origin: germline.